The following is an entry in ClinVar:

NM_004064.5(CDKN1B):c.383C>G (p.Thr128Arg)

Gene: CDKN1B (cyclin dependent kinase inhibitor 1B; plus strand). Cytogenetic location: 12p13.1.
Variant type: single nucleotide variant.
Coding change: c.383C>G on transcript NM_004064.5 (MANE Select); coding-DNA position 383, C replaced by G.
Protein change: p.Thr128Arg; replaces threonine 128 with arginine.
Molecular consequence: missense variant.
Genome position (GRCh38, 1-based): chr12:12,718,222, C>G. VCF-style: chr12-12718222-C-G. GRCh37 (hg19) VCF-style: chr12-12871156-C-G.
Other names: short protein forms T128R.
Identifiers: ClinVar variation 662922 (VCV000662922.13), dbSNP rs761235464, ClinGen allele CA233060430.
Genomic context (GRCh38, chr12:12,718,222, plus strand): 5'-ATGTCAGCGGGAGCCGCCCGGCGGCGCCTTTAATTGGGGCTCCGGCTAACTCTGAGGACA[C>G]GCATTTGGTGGACCCAAAGACTGATCCGTCGGACAGCCAGACGGGGTTAGCGGAGCAATG-3'
Protein context (NP_004055.1, residues 118-138): LIGAPANSED[Thr128Arg]HLVDPKTDPS

ClinVar aggregate classification (germline): Uncertain significance. Review status: criteria provided, multiple submitters, no conflicts (2 of 4 stars). 5 submissions from 5 submitters: Uncertain significance (5). Last evaluated 2024-02-12.

Conditions:
Hereditary cancer-predisposing syndrome. Also called: Neoplastic Syndromes, Hereditary; Hereditary neoplastic syndrome; Tumor predisposition; Hereditary Cancer Syndrome. Identifiers: Orphanet 140162, MedGen C0027672, MeSH D009386, MONDO:0015356.
Multiple endocrine neoplasia type 4. Also called: MULTIPLE ENDOCRINE NEOPLASIA, TYPE IV. Identifiers: Orphanet 276152, MedGen C1970712, MONDO:0012552, OMIM 610755.

gnomAD v4.1: 3 of 1,612,790 alleles (0.00019%); highest among the groups gnomAD compares: Non-Finnish European, 0.00025%; no homozygotes.

Submissions (5):

GeneDx
Classification: Uncertain significance. Last evaluated: 2024-02-12. Review status: criteria provided, single submitter. Criteria: GeneDx Variant Classification Process June 2021. Collection method: clinical testing. Allele origin: germline. Affected: yes.
Comment: Not observed at significant frequency in large population cohorts (gnomAD); In silico analysis supports that this missense variant does not alter protein structure/function; Has not been previously published as pathogenic or benign to our knowledge

Ambry Genetics
Classification: Uncertain significance for Hereditary cancer-predisposing syndrome. Last evaluated: 2024-01-16. Review status: criteria provided, single submitter. Criteria: Ambry Variant Classification Scheme 2023. Collection method: clinical testing. Allele origin: germline.
Comment: The p.T128R variant (also known as c.383C>G), located in coding exon 1 of the CDKN1B gene, results from a C to G substitution at nucleotide position 383. The threonine at codon 128 is replaced by arginine, an amino acid with similar properties. This amino acid position is well conserved in available vertebrate species; however, arginine is the reference amino acid in other vertebrate species. In addition, this alteration is predicted to be tolerated by in silico analysis. Since supporting evidence is limited at this time, the clinical significance of this alteration remains unclear.

Fulgent Genetics
Classification: Uncertain significance for Multiple endocrine neoplasia type 4. Last evaluated: 2024-01-12. Review status: criteria provided, single submitter. Criteria: ACMG Guidelines, 2015. Collection method: clinical testing. Allele origin: germline.

Labcorp Genetics (formerly Invitae), Labcorp
Classification: Uncertain significance for Multiple endocrine neoplasia type 4. Last evaluated: 2024-01-08. Review status: criteria provided, single submitter. Criteria: Invitae Variant Classification Sherloc (09022015). Collection method: clinical testing. Allele origin: germline.
Comment: This sequence change replaces threonine, which is neutral and polar, with arginine, which is basic and polar, at codon 128 of the CDKN1B protein (p.Thr128Arg). This variant is not present in population databases (gnomAD no frequency). This variant has not been reported in the literature in individuals affected with CDKN1B-related conditions. ClinVar contains an entry for this variant (Variation ID: 662922). Algorithms developed to predict the effect of missense changes on protein structure and function output the following: SIFT: "Not Available"; PolyPhen-2: "Benign"; Align-GVGD: "Not Available". The arginine amino acid residue is found in multiple mammalian species, which suggests that this missense change does not adversely affect protein function. In summary, the available evidence is currently insufficient to determine the role of this variant in disease. Therefore, it has been classified as a Variant of Uncertain Significance.

Baylor Genetics
Classification: Uncertain significance for Multiple endocrine neoplasia type 4. Last evaluated: 2023-07-10. Review status: criteria provided, single submitter. Criteria: ACMG Guidelines, 2015. Collection method: clinical testing. Allele origin: unknown.